The following is an entry in ClinVar:

ClinVar aggregate classification (germline): Uncertain significance. Review status: criteria provided, multiple submitters, no conflicts (2 of 4 stars). 3 submissions from 3 submitters: Uncertain significance (3). Last evaluated 2025-01-13.

Allele frequency attached by ClinVar (database versions not stated): TOPMed below 0.00001; gnomAD 0.00001 and 0.00002; gnomAD exomes 0.00002; ExAC 0.00003.
gnomAD v4.1: 22 of 1,208,381 alleles (0.0018%); highest among the groups gnomAD compares: Non-Finnish European, 0.0022%; no homozygotes.

Submissions (3):

Labcorp Genetics (formerly Invitae), Labcorp
Classification: Uncertain significance. Last evaluated: 2025-01-13. Review status: criteria provided, single submitter. Criteria: Invitae Variant Classification Sherloc (09022015). Collection method: clinical testing. Allele origin: germline.
Comment: This sequence change replaces arginine, which is basic and polar, with cysteine, which is neutral and slightly polar, at codon 293 of the CLCN5 protein (p.Arg293Cys). This variant is present in population databases (rs782676621, gnomAD 0.006%). This variant has not been reported in the literature in individuals affected with CLCN5-related conditions. ClinVar contains an entry for this variant (Variation ID: 593542). Invitae Evidence Modeling of protein sequence and biophysical properties (such as structural, functional, and spatial information, amino acid conservation, physicochemical variation, residue mobility, and thermodynamic stability) indicates that this missense variant is expected to disrupt CLCN5 protein function with a positive predictive value of 80%. In summary, the available evidence is currently insufficient to determine the role of this variant in disease. Therefore, it has been classified as a Variant of Uncertain Significance.

Blueprint Genetics
Classification: Uncertain significance. Last evaluated: 2024-07-10. Review status: criteria provided, single submitter. Criteria: ACMG Guidelines, 2015. Collection method: clinical testing. Allele origin: germline.

Eurofins Ntd Llc (ga)
Classification: Uncertain significance. Last evaluated: 2017-08-17. Review status: criteria provided, single submitter. Criteria: EGL Classification Definitions 2015. Collection method: clinical testing. Allele origin: germline. Observed: 1 variant allele, 1 heterozygote.

NM_001127898.4(CLCN5):c.1087C>T (p.Arg363Cys)

Gene: CLCN5 (Cl-/H+ antiporter 5; plus strand). Cytogenetic location: Xp11.23.
Variant type: single nucleotide variant.
Coding change: c.1087C>T on transcript NM_001127898.4 (MANE Select); coding-DNA position 1087, C replaced by T.
Protein change: p.Arg363Cys; replaces arginine 363 with cysteine.
Molecular consequence: missense variant.
Genome position (GRCh38, 1-based): chrX:50,086,400, C>T. VCF-style: chrX-50086400-C-T. GRCh37 (hg19) VCF-style: chrX-49851057-C-T.
Other names: c.877C>T, p.Arg293Cys (NM_000084.5); c.1087C>T, p.Arg363Cys (NM_001127899.4); c.937C>T, p.Arg313Cys (NM_001282163.2); short protein forms R293C, R363C, R313C.
Identifiers: ClinVar variation 593542 (VCV000593542.8), dbSNP rs782676621, ClinGen allele CA10413834.